The following is an entry in ClinVar:

ClinVar aggregate classification (germline): Uncertain significance (1 of 4 stars; one submission).

Submission:

GeneDx
Classification: Uncertain significance. Last evaluated: 2024-06-04. Review status: criteria provided, single submitter. Criteria: GeneDx Variant Classification Process June 2021. Collection method: clinical testing. Allele origin: germline. Affected: yes.
Comment: Not observed at significant frequency in large population cohorts (gnomAD); In silico analysis supports that this missense variant has a deleterious effect on protein structure/function; Has not been previously published as pathogenic or benign to our knowledge

NM_024496.4(IRF2BPL):c.1090C>A (p.Arg364Ser)

Gene: IRF2BPL (interferon regulatory factor 2 binding protein like; minus strand). Cytogenetic location: 14q24.3.
Variant type: single nucleotide variant.
Coding change: c.1090C>A on transcript NM_024496.4 (MANE Select); coding-DNA position 1090, C replaced by A.
Protein change: p.Arg364Ser; replaces arginine 364 with serine.
Molecular consequence: missense variant.
Genome position (GRCh38, 1-based): chr14:77,026,703, G>T on the plus strand (C>A on the coding strand, the complement: IRF2BPL is on the minus strand). VCF-style: chr14-77026703-G-T. GRCh37 (hg19) VCF-style: chr14-77493046-G-T.
Other names: short protein forms R364S.
Identifiers: ClinVar variation 3384590 (VCV003384590.1).